The following is an entry in ClinVar:

ClinVar aggregate classification (germline): Uncertain significance (1 of 4 stars; one submission).

Conditions:
Warburg micro syndrome 2 (WARBM2). Also called: MICRO SYNDROME 2. Identifiers: Orphanet 2510, MedGen C3280214, MONDO:0013641, OMIM 614225.
Martsolf syndrome (MARTS). Also called: Congenital cataract with intellectual disability and hypogonadotropic hypogonadism syndrome. Identifiers: Orphanet 1387, MedGen C0796037, MONDO:0023910.

Allele frequency attached by ClinVar (database versions not stated): gnomAD exomes below 0.00001.
gnomAD v4.1: 1 of 1,614,196 alleles (0.000062%); highest among the groups gnomAD compares: Non-Finnish European, 0.000085%; no homozygotes.

Submission:

Labcorp Genetics (formerly Invitae), Labcorp
Classification: Uncertain significance for Martsolf syndrome; Warburg micro syndrome 2. Last evaluated: 2024-10-30. Review status: criteria provided, single submitter. Criteria: Invitae Variant Classification Sherloc (09022015). Collection method: clinical testing. Allele origin: germline.
Comment: This sequence change replaces glutamine, which is neutral and polar, with arginine, which is basic and polar, at codon 830 of the RAB3GAP2 protein (p.Gln830Arg). This variant is not present in population databases (gnomAD no frequency). This variant has not been reported in the literature in individuals affected with RAB3GAP2-related conditions. ClinVar contains an entry for this variant (Variation ID: 1487961). Invitae Evidence Modeling of protein sequence and biophysical properties (such as structural, functional, and spatial information, amino acid conservation, physicochemical variation, residue mobility, and thermodynamic stability) indicates that this missense variant is not expected to disrupt RAB3GAP2 protein function with a negative predictive value of 80%. In summary, the available evidence is currently insufficient to determine the role of this variant in disease. Therefore, it has been classified as a Variant of Uncertain Significance.

NM_012414.4(RAB3GAP2):c.2489A>G (p.Gln830Arg)

Gene: RAB3GAP2 (RAB3 GTPase activating non-catalytic protein subunit 2; minus strand). Cytogenetic location: 1q41.
Variant type: single nucleotide variant.
Coding change: c.2489A>G on transcript NM_012414.4 (MANE Select); coding-DNA position 2489, A replaced by G.
Protein change: p.Gln830Arg; replaces glutamine 830 with arginine.
Molecular consequence: missense variant.
Genome position (GRCh38, 1-based): chr1:220,171,977, T>C on the plus strand (A>G on the coding strand, the complement: RAB3GAP2 is on the minus strand). VCF-style: chr1-220171977-T-C. GRCh37 (hg19) VCF-style: chr1-220345319-T-C.
Other names: short protein forms Q830R.
Identifiers: ClinVar variation 1487961 (VCV001487961.6), dbSNP rs2102859411, ClinGen allele CA344638702.